The following is an entry in ClinVar:

NM_019109.5(ALG1):c.434G>A (p.Gly145Asp)

Gene: ALG1 (ALG1 chitobiosyldiphosphodolichol beta-mannosyltransferase; plus strand). Cytogenetic location: 16p13.3.
Variant type: single nucleotide variant.
Coding change: c.434G>A on transcript NM_019109.5 (MANE Select); coding-DNA position 434, G replaced by A.
Protein change: p.Gly145Asp; replaces glycine 145 with aspartic acid.
Molecular consequence: missense variant.
Genome position (GRCh38, 1-based): chr16:5,075,431, G>A. VCF-style: chr16-5075431-G-A. GRCh37 (hg19) VCF-style: chr16-5125432-G-A.
Other names: c.101G>A, p.Gly34Asp (NM_001330504.2); short protein forms G145D, G34D.
Identifiers: ClinVar variation 30537 (VCV000030537.8), dbSNP rs387906926, ClinGen allele CA277972.

ClinVar aggregate classification (germline): Conflicting classifications of pathogenicity. Review status: criteria provided, conflicting classifications (1 of 4 stars). 5 submissions from 5 submitters: Likely pathogenic (3); Uncertain significance (1). 1 of the submissions does not count toward it. Last evaluated 2025-11-01.

Conditions:
ALG1-congenital disorder of glycosylation. Also called: CONGENITAL DISORDER OF GLYCOSYLATION, TYPE Ik; CDG Ik; ALG1-CDG. Identifiers: Orphanet 79327, MedGen C2931005, MONDO:0012052, OMIM 608540.

Submissions (5):

Medical Molecular Genetics, National Research Centre
Classification: Likely pathogenic for ALG1-congenital disorder of glycosylation. Last evaluated: 2025-11-01. Review status: criteria provided, single submitter. Criteria: ACMG Guidelines, 2015. Collection method: research. Allele origin: inherited. Affected: yes.

Women's Health and Genetics/Laboratory Corporation of America, LabCorp
Classification: Likely pathogenic for ALG1-congenital disorder of glycosylation. Last evaluated: 2025-08-01. Review status: criteria provided, single submitter. Criteria: LabCorp Variant Classification Summary - May 2015. Collection method: clinical testing. Allele origin: germline.
Comment: Variant summary: ALG1 c.434G>A (p.Gly145Asp) results in a non-conservative amino acid change in the encoded protein sequence. Algorithms developed to predict the effect of missense changes on protein structure and function are either unavailable or do not agree on the potential impact of this missense change. The variant was absent in 251494 control chromosomes. c.434G>A has been observed in the presumed or confirmed compound heterozygous and homozygous states in multiple individuals affected with ALG1-congenital disorder of glycosylation (example, Dupre_2010, Ng_2016, Xue_2023, BROAD Institute per ClinVar entry). These data indicate that the variant is very likely to be associated with disease. At least one publication reports experimental evidence evaluating an impact on protein function. The most pronounced variant effect results in a growth defect in a yeast model system (Ng_2016). The following publications have been ascertained in the context of this evaluation (PMID: 20679665, 26931382, 37204045, 22966035, 35221878, 26608959). ClinVar contains an entry for this variant (Variation ID: 30537). Based on the evidence outlined above, the variant was classified as likely pathogenic.

Labcorp Genetics (formerly Invitae), Labcorp
Classification: Likely pathogenic for ALG1-congenital disorder of glycosylation. Last evaluated: 2023-02-06. Review status: criteria provided, single submitter. Criteria: Invitae Variant Classification Sherloc (09022015). Collection method: clinical testing. Allele origin: germline.
Comment: This sequence change replaces glycine, which is neutral and non-polar, with aspartic acid, which is acidic and polar, at codon 145 of the ALG1 protein (p.Gly145Asp). This variant is not present in population databases (gnomAD no frequency). This missense change has been observed in individual(s) with congenital disorders of glycosylation (PMID: 20679665). In at least one individual the data is consistent with being in trans (on the opposite chromosome) from a pathogenic variant. ClinVar contains an entry for this variant (Variation ID: 30537). Advanced modeling of protein sequence and biophysical properties (such as structural, functional, and spatial information, amino acid conservation, physicochemical variation, residue mobility, and thermodynamic stability) performed at Invitae indicates that this missense variant is not expected to disrupt ALG1 protein function. Experimental studies have shown that this missense change affects ALG1 function (PMID: 26931382). Algorithms developed to predict the effect of sequence changes on RNA splicing suggest that this variant may create or strengthen a splice site. In summary, the currently available evidence indicates that the variant is pathogenic, but additional data are needed to prove that conclusively. Therefore, this variant has been classified as Likely Pathogenic.

Broad Center for Mendelian Genomics, Broad Institute of MIT and Harvard
Classification: Uncertain significance for ALG1-congenital disorder of glycosylation. Last evaluated: 2018-11-15. Review status: criteria provided, single submitter. Criteria: ACMG Guidelines, 2015. Collection method: research. Allele origin: germline. Inheritance: Autosomal recessive inheritance. Affected: yes. Clinical features observed: Abnormality of brain morphology.
Comment: The homozygous p.Gly145Asp variant in ALG1 was identified by our study in two siblings with Congenital Disorder of Glycosylation. Computational prediction tools and conservation analyses do not provide strong support for or against an impact to the protein. In summary, the clinical significance of the p.Gly145Asp variant is uncertain.

OMIM
Classification: Pathogenic for CONGENITAL DISORDER OF GLYCOSYLATION, TYPE Ik. Last evaluated: 2010-11-01. Review status: no assertion criteria provided. Collection method: literature only. Allele origin: germline. Not counted in ClinVar's aggregate classification.

Literature cited by the submitters: PubMed 26931382 (cited by Women's Health and Genetics/Laboratory Corporation of America, LabCorp and Labcorp Genetics (formerly Invitae), Labcorp); PubMed 20679665 (cited by 4 submitters); PubMed 35221878 (cited by Women's Health and Genetics/Laboratory Corporation of America, LabCorp); PubMed 37204045 (cited by Women's Health and Genetics/Laboratory Corporation of America, LabCorp); PubMed 22966035 (cited by Women's Health and Genetics/Laboratory Corporation of America, LabCorp); PubMed 26608959 (cited by Women's Health and Genetics/Laboratory Corporation of America, LabCorp).